The following is an entry in ClinVar:

ClinVar aggregate classification (germline): Uncertain significance. Review status: criteria provided, multiple submitters, no conflicts (2 of 4 stars). 2 submissions from 2 submitters: Uncertain significance (2). Last evaluated 2025-03-30.

Conditions:
Cardiovascular phenotype. Identifiers: MedGen CN230736.
Long QT syndrome (LQTS). Identifiers: MedGen C0023976, MeSH D008133, MONDO:0002442. Disease mechanism: loss of function. Inheritance: Various modes of inheritance.

Submissions (2):

Labcorp Genetics (formerly Invitae), Labcorp
Classification: Uncertain significance for Long QT syndrome. Last evaluated: 2025-03-30. Review status: criteria provided, single submitter. Criteria: Invitae Variant Classification Sherloc (09022015). Collection method: clinical testing. Allele origin: germline.
Comment: This sequence change creates a premature translational stop signal (p.Gln2528*) in the AKAP9 gene. It is expected to result in an absent or disrupted protein product. However, the current clinical and genetic evidence is not sufficient to establish whether loss-of-function variants in AKAP9 cause disease. This variant is not present in population databases (gnomAD no frequency). This variant has not been reported in the literature in individuals affected with AKAP9-related conditions. ClinVar contains an entry for this variant (Variation ID: 1759626). In summary, the available evidence is currently insufficient to determine the role of this variant in disease. Therefore, it has been classified as a Variant of Uncertain Significance.

Ambry Genetics
Classification: Uncertain significance for Cardiovascular phenotype. Last evaluated: 2022-06-10. Review status: criteria provided, single submitter. Criteria: Ambry Variant Classification Scheme 2023. Collection method: clinical testing. Allele origin: germline.
Comment: The p.Q2528* variant (also known as c.7582C>T), located in coding exon 31 of the AKAP9 gene, results from a C to T substitution at nucleotide position 7582. This changes the amino acid from a glutamine to a stop codon within coding exon 31. This alteration is expected to result in premature protein truncation or nonsense-mediated mRNA decay. However, loss of function of AKAP9 has not been clearly established as a mechanism of disease. In addition, the evidence for this gene-disease relationship is limited; therefore, the clinical significance of this alteration is unclear.

NM_005751.5(AKAP9):c.7582C>T (p.Gln2528Ter)

Gene: AKAP9 (A-kinase anchoring protein 9; plus strand). Cytogenetic location: 7q21.2.
Variant type: single nucleotide variant.
Coding change: c.7582C>T on transcript NM_005751.5 (MANE Select); coding-DNA position 7582, C replaced by T.
Protein change: p.Gln2528Ter; replaces glutamine 2528 with a stop codon.
Molecular consequence: nonsense.
Genome position (GRCh38, 1-based): chr7:92,079,715, C>T. VCF-style: chr7-92079715-C-T. GRCh37 (hg19) VCF-style: chr7-91709029-C-T.
Other names: c.2227C>T, p.Gln743Ter (NM_001379277.1); c.7558C>T, p.Gln2520Ter (NM_147185.3); short protein forms Q2520*, Q743*, Q2528*.
Identifiers: ClinVar variation 1759626 (VCV001759626.3), dbSNP rs1488811536, ClinGen allele CA368136058.